The following is an entry in ClinVar:

NM_201384.3(PLEC):c.2093C>T (p.Ala698Val)

Gene: PLEC (plectin; minus strand). Cytogenetic location: 8q24.3.
Variant type: single nucleotide variant.
Coding change: c.2093C>T on transcript NM_201384.3 (MANE Select); coding-DNA position 2093, C replaced by T.
Protein change: p.Ala698Val; replaces alanine 698 with valine.
Molecular consequence: missense variant.
Genome position (GRCh38, 1-based): chr8:143,932,022, G>A on the plus strand (C>T on the coding strand, the complement: PLEC is on the minus strand). VCF-style: chr8-143932022-G-A. GRCh37 (hg19) VCF-style: chr8-145006190-G-A.
Other names: c.2174C>T, p.Ala725Val (NM_000445.5); c.2051C>T, p.Ala684Val (NM_201378.4); c.2027C>T, p.Ala676Val (NM_201379.3); c.2504C>T, p.Ala835Val (NM_201380.4); c.1997C>T, p.Ala666Val (NM_201381.3); c.2093C>T, p.Ala698Val (NM_201382.4); c.2105C>T, p.Ala702Val (NM_201383.3); short protein forms A666V, A676V, A684V, A698V, A702V, A725V, A835V.
Identifiers: ClinVar variation 498623 (VCV000498623.14), dbSNP rs1373860165, ClinGen allele CA372577053.
Genomic context (GRCh38, chr8:143,932,022, plus strand): 5'-AGGTGTGCCTCGATACAGCAGCACAGCTGTAGCATCCAGCTCCACTGCGTCTGCAGGGCC[G>A]CCTGGAAGGACTGCGGGACAGCAGGTCCCGGTCAGGCCCCGCCCCGCCCCGCCTGGGGAC-3'
Protein context (NP_958786.1, residues 688-708): PARPTVESFQ[Ala698Val]ALQTQWSWML

ClinVar aggregate classification (germline): Uncertain significance. Review status: criteria provided, multiple submitters, no conflicts (2 of 4 stars). 5 submissions from 5 submitters: Uncertain significance (5). Last evaluated 2026-05-19.

Conditions:
Inborn genetic diseases. Identifiers: MedGen C0950123, MeSH D030342.
Epidermolysis bullosa simplex 5B, with muscular dystrophy (EBS5B). Also called: EPIDERMOLYSIS BULLOSA SIMPLEX AND LIMB-GIRDLE MUSCULAR DYSTROPHY; Epidermolysis bullosa simplex with muscular dystrophy. Identifiers: Orphanet 257, MedGen C2931072, MONDO:0009181, OMIM 226670.
Autosomal recessive limb-girdle muscular dystrophy type 2Q (LGMDR17). Also called: MUSCULAR DYSTROPHY, LIMB-GIRDLE, AUTOSOMAL RECESSIVE 17. Identifiers: Orphanet 254361, MedGen C3150989, MONDO:0013390, OMIM 613723.
Epidermolysis bullosa simplex, Ogna type (EBS5A). Also called: Pidermolysis bullosa simplex 5A, Ogna type; EPIDERMOLYSIS BULLOSA SIMPLEX 5A, OGNA TYPE. Identifiers: Orphanet 79401, MedGen C0432317, MONDO:0007555, OMIM 131950.
Epidermolysis bullosa simplex with nail dystrophy (EBS5D). Identifiers: MedGen C4225309, MONDO:0014661, OMIM 616487.
Epidermolysis bullosa simplex 5C, with pyloric atresia (EBS5C). Also called: PLEC-Related Epidermolysis Bullosa with Pyloric Atresia; Epidermolysis bullosa simplex with pyloric atresia; PLEC1-Related Epidermolysis Bullosa with Pyloric Atresia. Identifiers: Orphanet 158684, MedGen C2677349, MONDO:0012807, OMIM 612138.

Allele frequency attached by ClinVar (database versions not stated): gnomAD 0.00001 and 0.00002; gnomAD exomes 0.00002 and 0.00003; TOPMed 0.00002.
gnomAD v4.1: 51 of 1,601,032 alleles (0.0032%); highest among the groups gnomAD compares: Non-Finnish European, 0.0039%; no homozygotes.

Submissions (5):

Ambry Genetics
Classification: Uncertain significance for Inborn genetic diseases. Last evaluated: 2026-05-19. Review status: criteria provided, single submitter. Criteria: Ambry Variant Classification Scheme 2023. Collection method: clinical testing. Allele origin: germline.
Comment: The c.2174C>T (p.A725V) alteration is located in exon 19 (coding exon 18) of the PLEC gene. This alteration results from a C to T substitution at nucleotide position 2174, causing the alanine (A) at amino acid position 725 to be replaced by a valine (V). Based on data from gnomAD, the T allele has an overall frequency of 0.002% (4/225260) total alleles studied. The highest observed frequency was 0.003% (1/32844) of Latino alleles. Based on insufficient or conflicting evidence, the clinical significance of this alteration remains unclear.

Labcorp Genetics (formerly Invitae), Labcorp
Classification: Uncertain significance for Autosomal recessive limb-girdle muscular dystrophy type 2Q; Epidermolysis bullosa simplex, Ogna type; Epidermolysis bullosa simplex with nail dystrophy; Epidermolysis bullosa simplex 5C, with pyloric atresia; Epidermolysis bullosa simplex 5B, with muscular dystrophy. Last evaluated: 2025-03-31. Review status: criteria provided, single submitter. Criteria: Invitae Variant Classification Sherloc (09022015). Collection method: clinical testing. Allele origin: germline.
Comment: This sequence change replaces alanine, which is neutral and non-polar, with valine, which is neutral and non-polar, at codon 725 of the PLEC protein (p.Ala725Val). This variant is present in population databases (no rsID available, gnomAD 0.003%). This variant has not been reported in the literature in individuals affected with PLEC-related conditions. ClinVar contains an entry for this variant (Variation ID: 498623). Invitae Evidence Modeling of protein sequence and biophysical properties (such as structural, functional, and spatial information, amino acid conservation, physicochemical variation, residue mobility, and thermodynamic stability) indicates that this missense variant is expected to disrupt PLEC protein function with a positive predictive value of 80%. In summary, the available evidence is currently insufficient to determine the role of this variant in disease. Therefore, it has been classified as a Variant of Uncertain Significance.

Blueprint Genetics
Classification: Uncertain significance. Last evaluated: 2023-05-19. Review status: criteria provided, single submitter. Criteria: ACMG Guidelines, 2015. Collection method: clinical testing. Allele origin: germline.

GeneDx
Classification: Uncertain significance. Last evaluated: 2022-02-28. Review status: criteria provided, single submitter. Criteria: GeneDx Variant Classification Process June 2021. Collection method: clinical testing. Allele origin: germline. Affected: yes.
Comment: Not observed at significant frequency in large population cohorts (gnomAD); In silico analysis supports that this missense variant has a deleterious effect on protein structure/function; Missense variant in a gene in which most reported pathogenic variants are truncating/loss-of-function; Has not been previously published as pathogenic or benign to our knowledge

Eurofins Ntd Llc (ga)
Classification: Uncertain significance. Last evaluated: 2016-12-04. Review status: criteria provided, single submitter. Criteria: EGL Classification Definitions 2015. Collection method: clinical testing. Allele origin: germline. Observed: 1 variant allele, 1 heterozygote.